The following is an entry in ClinVar:

ClinVar aggregate classification (germline): Uncertain significance (1 of 4 stars; one submission).

Conditions:
Charcot-Marie-Tooth disease type 4. Also called: Charcot-Marie-Tooth, Type 4; Charcot-Marie-Tooth disease, type IV. Identifiers: Orphanet 64749, MedGen C4082197, MONDO:0018995.

gnomAD v4.1: 18 of 1,613,706 alleles (0.0011%); highest among the groups gnomAD compares: Non-Finnish European, 0.0014%; no homozygotes.

Submission:

Labcorp Genetics (formerly Invitae), Labcorp
Classification: Uncertain significance for Charcot-Marie-Tooth disease type 4. Last evaluated: 2021-08-30. Review status: criteria provided, single submitter. Criteria: Invitae Variant Classification Sherloc (09022015). Collection method: clinical testing. Allele origin: germline.
Comment: This sequence change replaces aspartic acid with glutamic acid at codon 437 of the SH3TC2 protein (p.Asp437Glu). The aspartic acid residue is highly conserved and there is a small physicochemical difference between aspartic acid and glutamic acid. This variant is present in population databases (rs749587305, ExAC 0.003%). This variant has not been reported in the literature in individuals affected with SH3TC2-related conditions. Advanced modeling of protein sequence and biophysical properties (such as structural, functional, and spatial information, amino acid conservation, physicochemical variation, residue mobility, and thermodynamic stability) performed at Invitae indicates that this missense variant is not expected to disrupt SH3TC2 protein function. In summary, the available evidence is currently insufficient to determine the role of this variant in disease. Therefore, it has been classified as a Variant of Uncertain Significance.

NM_024577.4(SH3TC2):c.1311C>G (p.Asp437Glu)

Gene: SH3TC2 (SH3 domain and tetratricopeptide repeats 2; minus strand). Cytogenetic location: 5q32.
Variant type: single nucleotide variant.
Coding change: c.1311C>G on transcript NM_024577.4 (MANE Select); coding-DNA position 1311, C replaced by G.
Protein change: p.Asp437Glu; replaces aspartic acid 437 with glutamic acid.
Molecular consequence: missense variant.
Genome position (GRCh38, 1-based): chr5:149,028,421, G>C on the plus strand (C>G on the coding strand, the complement: SH3TC2 is on the minus strand). VCF-style: chr5-149028421-G-C. GRCh37 (hg19) VCF-style: chr5-148407984-G-C.
Other names: short protein forms D437E.
Identifiers: ClinVar variation 1038227 (VCV001038227.6), dbSNP rs749587305, ClinGen allele CA3499202.